The following is an entry in ClinVar:

ClinVar aggregate classification (germline): Uncertain significance (1 of 4 stars; one submission).

Submission:

GeneDx
Classification: Uncertain significance. Last evaluated: 2020-01-15. Review status: criteria provided, single submitter. Criteria: GeneDx Variant Classification Process June 2021. Collection method: clinical testing. Allele origin: germline. Affected: yes.
Comment: Not observed in large population cohorts (Lek et al., 2016); In silico analysis, which includes protein predictors and evolutionary conservation, supports a deleterious effect; Has not been previously published as pathogenic or benign to our knowledge

NM_004247.4(EFTUD2):c.1927G>A (p.Asp643Asn)

Gene: EFTUD2 (elongation factor Tu GTP binding domain containing 2; minus strand). Cytogenetic location: 17q21.31.
Variant type: single nucleotide variant.
Coding change: c.1927G>A on transcript NM_004247.4 (MANE Select); coding-DNA position 1927, G replaced by A.
Protein change: p.Asp643Asn; replaces aspartic acid 643 with asparagine.
Molecular consequence: missense variant.
Genome position (GRCh38, 1-based): chr17:44,859,115, C>T on the plus strand (G>A on the coding strand, the complement: EFTUD2 is on the minus strand). VCF-style: chr17-44859115-C-T. GRCh37 (hg19) VCF-style: chr17-42936483-C-T.
Other names: c.1822G>A, p.Asp608Asn (NM_001142605.2); c.1927G>A, p.Asp643Asn (NM_001258353.2); c.1897G>A, p.Asp633Asn (NM_001258354.2); short protein forms D608N, D633N, D643N.
Identifiers: ClinVar variation 1308746 (VCV001308746.2), dbSNP rs2145455386, ClinGen allele CA399810735.